The following is an entry in ClinVar:

ClinVar aggregate classification (germline): Uncertain significance (1 of 4 stars; one submission).

Conditions:
Inborn genetic diseases. Identifiers: MedGen C0950123, MeSH D030342.

Submission:

Ambry Genetics
Classification: Uncertain significance for Inborn genetic diseases. Last evaluated: 2017-03-08. Review status: criteria provided, single submitter. Criteria: Ambry Variant Classification Scheme 2023. Collection method: clinical testing. Allele origin: germline.
Comment: The p.P86R variant (also known as c.257C>G), located in coding exon 1 of the CHD7 gene, results from a C to G substitution at nucleotide position 257. The proline at codon 86 is replaced by arginine, an amino acid with dissimilar properties. This amino acid position is highly conserved in available vertebrate species. In addition, the in silico prediction for this alteration is inconclusive. Since supporting evidence is limited at this time, the clinical significance of this alteration remains unclear.

NM_017780.4(CHD7):c.257C>G (p.Pro86Arg)

Gene: CHD7 (chromodomain helicase DNA binding protein 7; plus strand). Cytogenetic location: 8q12.2.
Variant type: single nucleotide variant.
Coding change: c.257C>G on transcript NM_017780.4 (MANE Select); coding-DNA position 257, C replaced by G.
Protein change: p.Pro86Arg; replaces proline 86 with arginine.
Molecular consequence: missense variant.
Genome position (GRCh38, 1-based): chr8:60,741,689, C>G. VCF-style: chr8-60741689-C-G. GRCh37 (hg19) VCF-style: chr8-61654248-C-G.
Other names: c.257C>G, p.Pro86Arg (NM_001316690.1); short protein forms P86R.
Identifiers: ClinVar variation 589748 (VCV000589748.5), dbSNP rs1355349547, ClinGen allele CA371296827.
Genomic context (GRCh38, chr8:60,741,689, plus strand): 5'-TGACACATTTTGATCACTATAATCAGTATGAACAACAAAAGATGCATCTGATGGATCAGC[C>G]GAACAGAATGATGAGCAACACCCCTGGGAACGGACTCGCGTCTCCGCACTCGCAGTATCA-3'
Protein context (NP_060250.2, residues 76-96): EQQKMHLMDQ[Pro86Arg]NRMMSNTPGN